The following is an entry in ClinVar:

NM_177438.3(DICER1):c.5069C>G (p.Ala1690Gly)

Gene: DICER1 (dicer 1, ribonuclease III; minus strand). Cytogenetic location: 14q32.13.
Variant type: single nucleotide variant.
Coding change: c.5069C>G on transcript NM_177438.3 (MANE Select); coding-DNA position 5069, C replaced by G.
Protein change: p.Ala1690Gly; replaces alanine 1690 with glycine.
Molecular consequence: missense variant. On other transcripts: non-coding transcript variant (6).
Genome position (GRCh38, 1-based): chr14:95,095,851, G>C on the plus strand (C>G on the coding strand, the complement: DICER1 is on the minus strand). VCF-style: chr14-95095851-G-C. GRCh37 (hg19) VCF-style: chr14-95562188-G-C.
Other names: c.5069C>G, p.Ala1690Gly (NM_001395683.1, NM_001395684.1, NM_001395681.1 and 13 more transcripts); c.4787C>G, p.Ala1596Gly (NM_001395686.1); c.4664C>G, p.Ala1555Gly (NM_001395687.1, NM_001395688.1, NM_001395689.1 and 2 more transcripts); c.4502C>G, p.Ala1501Gly (NM_001395691.1); c.3386C>G, p.Ala1129Gly (NM_001395697.1); short protein forms A1555G, A1501G, A1690G, A1129G, A1596G.
Identifiers: ClinVar variation 1745137 (VCV001745137.2), dbSNP rs2542476036, ClinGen allele CA390865959.

ClinVar aggregate classification (germline): Uncertain significance (1 of 4 stars; one submission).

Conditions:
Hereditary cancer-predisposing syndrome. Also called: Hereditary Cancer Syndrome; Neoplastic Syndromes, Hereditary; Tumor predisposition; Hereditary neoplastic syndrome. Identifiers: Orphanet 140162, MedGen C0027672, MeSH D009386, MONDO:0015356.

Submission:

Ambry Genetics
Classification: Uncertain significance for Hereditary cancer-predisposing syndrome. Last evaluated: 2021-12-28. Review status: criteria provided, single submitter. Criteria: Ambry Variant Classification Scheme 2023. Collection method: clinical testing. Allele origin: germline.
Comment: The p.A1690G variant (also known as c.5069C>G), located in coding exon 22 of the DICER1 gene, results from a C to G substitution at nucleotide position 5069. The alanine at codon 1690 is replaced by glycine, an amino acid with similar properties. This amino acid position is highly conserved in available vertebrate species. In addition, the in silico prediction for this alteration is inconclusive. Since supporting evidence is limited at this time, the clinical significance of this alteration remains unclear.